The following is an entry in ClinVar:

ClinVar aggregate classification (germline): Conflicting classifications of pathogenicity. Review status: criteria provided, conflicting classifications (1 of 4 stars). 6 submissions from 4 submitters: Uncertain significance (2); Likely benign (4). Last evaluated 2026-05-26.

Conditions:
Cryopyrin associated periodic syndrome (CAPS). Identifiers: Orphanet 208650, MedGen C2316212, MONDO:0016168.
Chronic infantile neurological, cutaneous and articular syndrome (CINCA). Also called: CINCA syndrome; CRYOPYRIN-ASSOCIATED PERIODIC SYNDROME 3; Prieur Griscelli syndrome; CHRONIC NEUROLOGIC CUTANEOUS AND ARTICULAR SYNDROME. Identifiers: Orphanet 1451, MedGen C0409818, MONDO:0011776, OMIM 607115.
Familial cold autoinflammatory syndrome 1 (FCAS1). Also called: Familial cold inflammatory syndrome 1; CRYOPYRIN-ASSOCIATED PERIODIC SYNDROME 1. Identifiers: Orphanet 47045, MedGen C4551895, MONDO:0007349, OMIM 120100.
Familial amyloid nephropathy with urticaria AND deafness (MWS). Also called: Urticaria, deafness and amyloidosis; CRYOPYRIN-ASSOCIATED PERIODIC SYNDROME 2; UDA SYNDROME; URTICARIA-DEAFNESS-AMYLOIDOSIS SYNDROME; MUCKLE-WELLS SYNDROME. Identifiers: Orphanet 575, MedGen C0268390, MONDO:0008633, OMIM 191900.
NLRP3-related disorder. Also called: NLRP3-Related Disorders; NLRP3-related condition.

Allele frequency attached by ClinVar (database versions not stated): ExAC 0.00002; gnomAD 0.00003 and 0.00004; gnomAD exomes 0.00003 and 0.00004; TOPMed 0.00004; ESP Exome Variant Server 0.00008.
gnomAD v4.1: 61 of 1,613,964 alleles (0.0038%); highest among the groups gnomAD compares: Non-Finnish European, 0.0048%; no homozygotes.

Submissions (6):

PreventionGenetics, part of Exact Sciences
Classification: Uncertain significance for NLRP3-related condition. Last evaluated: 2026-05-26. Review status: criteria provided, single submitter. Criteria: ACMG Guidelines, 2015. Collection method: clinical testing. Allele origin: germline.
Comment: The NLRP3 c.482G>T variant is predicted to result in the amino acid substitution p.Ser161Ile. To our knowledge, this variant has not been reported in the literature. This variant is reported in 0.0054% of alleles in individuals of European (Non-Finnish) descent in gnomAD. At this time, the clinical significance of this variant is uncertain due to the absence of conclusive functional and genetic evidence.

Women's Health and Genetics/Laboratory Corporation of America, LabCorp
Classification: Likely benign. Last evaluated: 2026-02-11. Review status: criteria provided, single submitter. Criteria: LabCorp Variant Classification Summary - May 2015. Collection method: clinical testing. Allele origin: germline.
Comment: Variant summary: NLRP3 c.482G>T (p.Ser161Ile) results in a non-conservative amino acid change in the encoded protein sequence. Algorithms developed to predict the effect of missense changes on protein structure and function are either unavailable or do not agree on the potential impact of this missense change. The variant allele was found at a frequency of 2.8e-05 in 251280 control chromosomes in the gnomAD database v2. However in the gnomAD v4 database, a total of 61 heterozygotes of this variant was reported. c.482G>T has been observed in individual(s) affected with Acute disseminated encephalomyelitis without strong evidence for causality (Osulliva_2021). These report(s) do not provide unequivocal conclusions about association of the variant with Cryopyrin Associated Periodic Syndrome. To our knowledge, no experimental evidence demonstrating an impact on protein function has been reported. The following publication has been ascertained in the context of this evaluation (Osulliva_2021). ClinVar contains an entry for this variant (Variation ID: 876773). Based on the evidence outlined above, the variant was classified as likely benign.

Labcorp Genetics (formerly Invitae), Labcorp
Classification: Uncertain significance for Cryopyrin associated periodic syndrome. Last evaluated: 2025-05-19. Review status: criteria provided, single submitter. Criteria: Invitae Variant Classification Sherloc (09022015). Collection method: clinical testing. Allele origin: germline.
Comment: This sequence change replaces serine, which is neutral and polar, with isoleucine, which is neutral and non-polar, at codon 161 of the NLRP3 protein (p.Ser161Ile). This variant is present in population databases (rs374170024, gnomAD 0.006%). This variant has not been reported in the literature in individuals affected with NLRP3-related conditions. ClinVar contains an entry for this variant (Variation ID: 876773). Invitae Evidence Modeling of protein sequence and biophysical properties (such as structural, functional, and spatial information, amino acid conservation, physicochemical variation, residue mobility, and thermodynamic stability) has been performed for this missense variant. However, the output from this modeling did not meet the statistical confidence thresholds required to predict the impact of this variant on NLRP3 protein function. In summary, the available evidence is currently insufficient to determine the role of this variant in disease. Therefore, it has been classified as a Variant of Uncertain Significance.

Illumina Laboratory Services, Illumina
Classification: Likely benign for Familial amyloid nephropathy with urticaria AND deafness. Last evaluated: 2018-01-13. Review status: criteria provided, single submitter. Criteria: ICSL Variant Classification Criteria 13 December 2019. Collection method: clinical testing. Allele origin: germline.
Comment: This variant was observed in the ICSL laboratory as part of a predisposition screen in an ostensibly healthy population. It had not been previously curated by ICSL or reported in the Human Gene Mutation Database (HGMD: prior to June 1st, 2018), and was therefore a candidate for classification through an automated scoring system. Utilizing variant allele frequency, disease prevalence and penetrance estimates, and inheritance mode, an automated score was calculated to assess if this variant is too frequent to cause the disease. Based on the score and internal cut-off values, a variant classified as likely benign is not then subjected to further curation. The score for this variant resulted in a classification of likely benign for this disease.

Illumina Laboratory Services, Illumina
Classification: Likely benign for Familial cold autoinflammatory syndrome 1. Last evaluated: 2018-01-13. Review status: criteria provided, single submitter. Criteria: ICSL Variant Classification Criteria 13 December 2019. Collection method: clinical testing. Allele origin: germline.
Comment: the same text as in the submission from Illumina Laboratory Services, Illumina above.

Illumina Laboratory Services, Illumina
Classification: Likely benign for Chronic infantile neurological, cutaneous and articular syndrome. Last evaluated: 2018-01-13. Review status: criteria provided, single submitter. Criteria: ICSL Variant Classification Criteria 13 December 2019. Collection method: clinical testing. Allele origin: germline.
Comment: the same text as in the submission from Illumina Laboratory Services, Illumina above.

NM_001243133.2(NLRP3):c.476G>T (p.Ser159Ile)

Gene: NLRP3 (NLR family pyrin domain containing 3; plus strand). Cytogenetic location: 1q44.
Variant type: single nucleotide variant.
Coding change: c.476G>T on transcript NM_001243133.2 (MANE Select); coding-DNA position 476, G replaced by T.
Protein change: p.Ser159Ile; replaces serine 159 with isoleucine.
Molecular consequence: missense variant.
Genome position (GRCh38, 1-based): chr1:247,423,925, G>T. VCF-style: chr1-247423925-G-T. GRCh37 (hg19) VCF-style: chr1-247587227-G-T.
Other names: c.476G>T, p.Ser159Ile (NM_001079821.3, NM_001127461.3, NM_001127462.3 and 1 more transcripts); c.482G>T, p.Ser161Ile (NM_004895.5); short protein forms S161I, S159I.
Identifiers: ClinVar variation 876773 (VCV000876773.11), dbSNP rs374170024, ClinGen allele CA1494878.